The following is an entry in ClinVar:

GRCh37/hg19 7q11.23(chr7:72717369-74142224)x1

Genes: ABHD11 (abhydrolase domain containing 11; minus strand), ABHD11-AS1 (ABHD11 antisense RNA 1 (tail to tail); plus strand), BAZ1B (bromodomain adjacent to zinc finger domain 1B; minus strand), BCL7B (BAF chromatin remodeling complex subunit BCL7B; minus strand), BUD23 (BUD23 rRNA methyltransferase and ribosome maturation factor; plus strand) and 22 more. Cytogenetic location: 7q11.23.
Variant type: copy number loss.
Change: copy number 1 (one copy instead of two) of chr7:72,717,369-74,142,224 (1.42 Mb, GRCh37 coordinates, 1-based), cytogenetic band 7q11.23.
Identifiers: ClinVar variation 988936 (VCV000988936.4).

ClinVar aggregate classification (germline): Pathogenic (1 of 4 stars; one submission).

Submission:

Illumina Laboratory Services, Illumina
Classification: Pathogenic. Last evaluated: 2019-05-06. Review status: criteria provided, single submitter. Criteria: ICSL CNVClassificationCriteria Aug2020. Collection method: clinical testing. Allele origin: unknown.
Comment: This CNV is a 1.4 Mb deletion of 7q11.23 on chromosome 7, (seq[GRCh37]del(7)(q11.23); chr7:g.72717369_74142224del), and was found in a de novo state. This CNV constitutes a loss encompassing 31 genes. Individuals in literature with Williams syndrome typically carry a 1.4-1.5 Mb deletion that includes a 1.2 Mb region flanked by three LCRs, and includes breakpoints within the centromeric and medial LCR block B, while a few atypical cases with losses ranging from 145 kb to 9.8 Mb have also been reported (Ferrero et al. 2007; Merla et al. 2010; Li et al. 2016; Samanta et al. 2017). At least 28 genes have been associated with the Williams syndrome, however, genotype-phenotype correlations have only been established for a few genes, including the ELN gene that has been associated with cardiovascular and connective tissue abnormalities (Li et al. 2016). This deletion has not been reported in published controls. Based on the collective evidence, this CNV is classified as pathogenic.

Literature cited by the submitters: PubMed 17625998; PubMed 20437059; PubMed 27022327; PubMed 27062269.